The following is an entry in ClinVar:

ClinVar aggregate classification (germline): Uncertain significance (1 of 4 stars; one submission).

gnomAD v4.1: 2 of 1,614,200 alleles (0.00012%); highest among the groups gnomAD compares: Non-Finnish European, 0.00017%; no homozygotes.

Submission:

Labcorp Genetics (formerly Invitae), Labcorp
Classification: Uncertain significance. Last evaluated: 2025-09-24. Review status: criteria provided, single submitter. Criteria: Invitae Variant Classification Sherloc (09022015). Collection method: clinical testing. Allele origin: germline.
Comment: This sequence change replaces serine, which is neutral and polar, with threonine, which is neutral and polar, at codon 1839 of the ARID1A protein (p.Ser1839Thr). This variant is not present in population databases (gnomAD no frequency). This variant has not been reported in the literature in individuals affected with ARID1A-related conditions. Invitae Evidence Modeling of protein sequence and biophysical properties (such as structural, functional, and spatial information, amino acid conservation, physicochemical variation, residue mobility, and thermodynamic stability) indicates that this missense variant is not expected to disrupt ARID1A protein function with a negative predictive value of 80%. In summary, the available evidence is currently insufficient to determine the role of this variant in disease. Therefore, it has been classified as a Variant of Uncertain Significance.

NM_006015.6(ARID1A):c.5516G>C (p.Ser1839Thr)

Gene: ARID1A (AT-rich interaction domain 1A; plus strand). Cytogenetic location: 1p36.11.
Variant type: single nucleotide variant.
Coding change: c.5516G>C on transcript NM_006015.6 (MANE Select); coding-DNA position 5516, G replaced by C.
Protein change: p.Ser1839Thr; replaces serine 1839 with threonine.
Molecular consequence: missense variant.
Genome position (GRCh38, 1-based): chr1:26,779,414, G>C. VCF-style: chr1-26779414-G-C. GRCh37 (hg19) VCF-style: chr1-27105905-G-C.
Other names: c.4865G>C, p.Ser1622Thr (NM_139135.4); short protein forms S1622T, S1839T.
Identifiers: ClinVar variation 4774071 (VCV004774071.1).